The following is an entry in ClinVar:

ClinVar aggregate classification (germline): Uncertain significance. Review status: criteria provided, multiple submitters, no conflicts (2 of 4 stars). 2 submissions from 2 submitters: Uncertain significance (2). Last evaluated 2024-11-19.

Conditions:
Hereditary cancer-predisposing syndrome. Also called: Hereditary Cancer Syndrome; Hereditary neoplastic syndrome; Neoplastic Syndromes, Hereditary; Tumor predisposition. Identifiers: Orphanet 140162, MedGen C0027672, MeSH D009386, MONDO:0015356.

Allele frequency attached by ClinVar (database versions not stated): gnomAD exomes below 0.00001; gnomAD 0.00001; TOPMed 0.00001.

Submissions (2):

Labcorp Genetics (formerly Invitae), Labcorp
Classification: Uncertain significance. Last evaluated: 2024-11-19. Review status: criteria provided, single submitter. Criteria: Invitae Variant Classification Sherloc (09022015). Collection method: clinical testing. Allele origin: germline.
Comment: This sequence change replaces glycine, which is neutral and non-polar, with arginine, which is basic and polar, at codon 1936 of the POLE protein (p.Gly1936Arg). This variant is not present in population databases (gnomAD no frequency). This variant has not been reported in the literature in individuals affected with POLE-related conditions. ClinVar contains an entry for this variant (Variation ID: 1749815). An algorithm developed to predict the effect of missense changes on protein structure and function (PolyPhen-2) suggests that this variant is likely to be tolerated. In summary, the available evidence is currently insufficient to determine the role of this variant in disease. Therefore, it has been classified as a Variant of Uncertain Significance.

Ambry Genetics
Classification: Uncertain significance for Hereditary cancer-predisposing syndrome. Last evaluated: 2022-07-05. Review status: criteria provided, single submitter. Criteria: Ambry Variant Classification Scheme 2023. Collection method: clinical testing. Allele origin: germline.
Comment: The p.G1936R variant (also known as c.5806G>C), located in coding exon 42 of the POLE gene, results from a G to C substitution at nucleotide position 5806. The glycine at codon 1936 is replaced by arginine, an amino acid with dissimilar properties. This amino acid position is conserved. In addition, the in silico prediction for this alteration is inconclusive. Since supporting evidence is limited at this time, the clinical significance of this alteration remains unclear.

NM_006231.4(POLE):c.5806G>C (p.Gly1936Arg)

Gene: POLE (DNA polymerase epsilon, catalytic subunit; minus strand). Cytogenetic location: 12q24.33.
Variant type: single nucleotide variant.
Coding change: c.5806G>C on transcript NM_006231.4 (MANE Select); coding-DNA position 5806, G replaced by C.
Protein change: p.Gly1936Arg; replaces glycine 1936 with arginine.
Molecular consequence: missense variant.
Genome position (GRCh38, 1-based): chr12:132,635,897, C>G on the plus strand (G>C on the coding strand, the complement: POLE is on the minus strand). VCF-style: chr12-132635897-C-G. GRCh37 (hg19) VCF-style: chr12-133212483-C-G.
Other names: short protein forms G1936R.
Identifiers: ClinVar variation 1749815 (VCV001749815.4), dbSNP rs1443025275, ClinGen allele CA387372686.
Genomic context (GRCh38, chr12:132,635,897, plus strand): 5'-AGGAATGAACGCGACCCCCAAAGCTGGCTCGGGTGCCACACTGCAGCTCGCTTACCAGTC[C>G]ACAGTGAATACGAGATGAAACTTTTCCTTTGATTCCGCCATAGTTAGATGGATCCATCCA-3'
Protein context (NP_006222.2, residues 1926-1946): KGKVSSRIHC[Gly1936Arg]LQDSQKAGGA